The following is an entry in ClinVar:

NM_001003722.2(GLE1):c.832del (p.Ala278fs)

Gene: GLE1 (GLE1 RNA export mediator; plus strand). Cytogenetic location: 9q34.11.
Variant type: Deletion.
Coding change: c.832del on transcript NM_001003722.2 (MANE Select); coding-DNA position 832, one base deleted (G; older notation c.832delG).
Protein change: p.Ala278fs; shifts the reading frame from alanine 278.
Molecular consequence: frameshift variant.
Genome position (GRCh38, 1-based): chr9:128,523,781, G deleted. VCF-style (leftmost placement, unchanged base first): chr9-128523780-TG-T. GRCh37 (hg19) VCF-style: chr9-131286059-TG-T.
Other names: c.832del, p.Ala278fs (NM_001411013.1, NM_001499.2); short protein forms A278fs.
Identifiers: ClinVar variation 2790027 (VCV002790027.3), dbSNP rs2540597317, ClinGen allele CA2739265092.

ClinVar aggregate classification (germline): Pathogenic (1 of 4 stars; one submission).

Submission:

Labcorp Genetics (formerly Invitae), Labcorp
Classification: Pathogenic. Last evaluated: 2023-05-22. Review status: criteria provided, single submitter. Criteria: Invitae Variant Classification Sherloc (09022015). Collection method: clinical testing. Allele origin: germline.
Comment: For these reasons, this variant has been classified as Pathogenic. This variant has not been reported in the literature in individuals affected with GLE1-related conditions. This variant is not present in population databases (gnomAD no frequency). This sequence change creates a premature translational stop signal (p.Ala278Profs*45) in the GLE1 gene. It is expected to result in an absent or disrupted protein product. Loss-of-function variants in GLE1 are known to be pathogenic (PMID: 18204449, 24243016, 27684565).

Literature cited by the submitters: PubMed 18204449; PubMed 24243016; PubMed 27684565.